The following is an entry in ClinVar:

NM_000465.4(BARD1):c.455A>C (p.Lys152Thr)

Gene: BARD1 (BRCA1 associated RING domain 1; minus strand). Cytogenetic location: 2q35.
Variant type: single nucleotide variant.
Coding change: c.455A>C on transcript NM_000465.4 (MANE Select); coding-DNA position 455, A replaced by C.
Protein change: p.Lys152Thr; replaces lysine 152 with threonine.
Molecular consequence: missense variant. On other transcripts: non-coding transcript variant (2), intron variant (3).
Genome position (GRCh38, 1-based): chr2:214,781,419, T>G on the plus strand (A>C on the coding strand, the complement: BARD1 is on the minus strand). VCF-style: chr2-214781419-T-G. GRCh37 (hg19) VCF-style: chr2-215646143-T-G.
Other names: c.398A>C, p.Lys133Thr (NM_001282543.2); c.158+27993A>C (NM_001282548.2); c.215+15642A>C (NM_001282545.2); c.364+10878A>C (NM_001282549.2); short protein forms K152T, K133T.
Identifiers: ClinVar variation 419935 (VCV000419935.20), dbSNP rs1064794194, ClinGen allele CA16617452.
Genomic context (GRCh38, chr2:214,781,419, plus strand): 5'-TCTTTTTTTATTGCAGGCTGGGTTTGCACTGAAGCTTTACTCACAACATATCTGACTTTC[T>G]TACTTCGAGGGCTAAACCACATTTTAATTGAATTCTTCTTGTTTCCTGCATCATTAAACA-3'
Protein context (NP_000456.2, residues 142-162): SIKMWFSPRS[Lys152Thr]KVRYVVSKAS

ClinVar aggregate classification (germline): Uncertain significance. Review status: criteria provided, multiple submitters, no conflicts (2 of 4 stars). 6 submissions from 6 submitters: Uncertain significance (6). Last evaluated 2026-01-07.

Conditions:
BARD1-related disorder. Also called: BARD1-related condition.
Hereditary cancer-predisposing syndrome. Also called: Hereditary Cancer Syndrome; Tumor predisposition; Hereditary neoplastic syndrome; Neoplastic Syndromes, Hereditary. Identifiers: Orphanet 140162, MedGen C0027672, MeSH D009386, MONDO:0015356.
Familial cancer of breast. Also called: Hereditary breast cancer; hereditary breast carcinoma; BREAST CANCER, FAMILIAL. Identifiers: Orphanet 227535, MedGen C0346153, MONDO:0016419, OMIM 114480. Disease mechanism: loss of function.

Allele frequency attached by ClinVar (database versions not stated): TOPMed below 0.00001.

Submissions (6):

PreventionGenetics, part of Exact Sciences
Classification: Uncertain significance for BARD1-related condition. Last evaluated: 2026-01-07. Review status: criteria provided, single submitter. Criteria: ACMG Guidelines, 2015. Collection method: clinical testing. Allele origin: germline.
Comment: The BARD1 c.455A>C variant is predicted to result in the amino acid substitution p.Lys152Thr. To our knowledge, this variant has not been reported in the literature or in a large population database (gnomAD), indicating this variant is rare. This variant is interpreted as a variant of uncertain significance in ClinVar (Variation ID: 419935). At this time, the clinical significance of this variant is uncertain due to the absence of conclusive functional and genetic evidence.

Labcorp Genetics (formerly Invitae), Labcorp
Classification: Uncertain significance for Familial cancer of breast. Last evaluated: 2025-12-10. Review status: criteria provided, single submitter. Criteria: Invitae Variant Classification Sherloc (09022015). Collection method: clinical testing. Allele origin: germline.
Comment: This sequence change replaces lysine, which is basic and polar, with threonine, which is neutral and polar, at codon 152 of the BARD1 protein (p.Lys152Thr). This variant is present in population databases (no rsID available, gnomAD 0.0009%). This variant has not been reported in the literature in individuals affected with BARD1-related conditions. ClinVar contains an entry for this variant (Variation ID: 419935). An algorithm developed to predict the effect of missense changes on protein structure and function (PolyPhen-2) suggests that this variant is likely to be disruptive. RNA analysis performed to evaluate the impact of this missense change on mRNA splicing indicates it does not significantly alter splicing (internal data). In summary, the available evidence is currently insufficient to determine the role of this variant in disease. Therefore, it has been classified as a Variant of Uncertain Significance.

Ambry Genetics
Classification: Uncertain significance for Hereditary cancer-predisposing syndrome. Last evaluated: 2024-09-20. Review status: criteria provided, single submitter. Criteria: Ambry Variant Classification Scheme 2023. Collection method: clinical testing. Allele origin: germline.
Comment: The p.K152T variant (also known as c.455A>C), located in coding exon 4 of the BARD1 gene, results from an A to C substitution at nucleotide position 455. The lysine at codon 152 is replaced by threonine, an amino acid with similar properties. This amino acid position is well conserved in available vertebrate species. In addition, the in silico prediction for this alteration is inconclusive. Since supporting evidence is limited at this time, the clinical significance of this alteration remains unclear.

Women's Health and Genetics/Laboratory Corporation of America, LabCorp
Classification: Uncertain significance. Last evaluated: 2024-06-17. Review status: criteria provided, single submitter. Criteria: LabCorp Variant Classification Summary - May 2015. Collection method: clinical testing. Allele origin: germline.
Comment: Variant summary: BARD1 c.455A>C (p.Lys152Thr) results in a non-conservative amino acid change in the encoded protein sequence. Five of five in-silico tools predict a damaging effect of the variant on protein function. The variant was absent in 250836 control chromosomes. The available data on variant occurrences in the general population are insufficient to allow any conclusion about variant significance. To our knowledge, no occurrence of c.455A>C in individuals affected with Breast Cancer and no experimental evidence demonstrating its impact on protein function have been reported. ClinVar contains an entry for this variant (Variation ID: 419935). Based on the evidence outlined above, the variant was classified as uncertain significance.

Baylor Genetics
Classification: Uncertain significance for Familial cancer of breast. Last evaluated: 2024-01-31. Review status: criteria provided, single submitter. Criteria: ACMG Guidelines, 2015. Collection method: clinical testing. Allele origin: unknown.

GeneDx
Classification: Uncertain significance. Last evaluated: 2021-07-16. Review status: criteria provided, single submitter. Criteria: GeneDx Variant Classification Process June 2021. Collection method: clinical testing. Allele origin: germline. Affected: yes.
Comment: Not observed at significant frequency in large population cohorts (Lek 2016); In silico analysis supports that this missense variant has a deleterious effect on protein structure/function; Has not been previously published as pathogenic or benign to our knowledge; This variant is associated with the following publications: (PMID: 27535533)